The following is an entry in ClinVar:

ClinVar aggregate classification (germline): Uncertain significance (1 of 4 stars; one submission).

Conditions:
Dyskeratosis congenita, autosomal dominant 6 (DKCA6). Identifiers: Orphanet 3322, MedGen C4225284, MONDO:0014690, OMIM 616553.

Submission:

Labcorp Genetics (formerly Invitae), Labcorp
Classification: Uncertain significance for Dyskeratosis congenita, autosomal dominant 6. Last evaluated: 2024-04-29. Review status: criteria provided, single submitter. Criteria: Invitae Variant Classification Sherloc (09022015). Collection method: clinical testing. Allele origin: germline.
Comment: This sequence change creates a premature translational stop signal (p.Gly130Alafs*28) in the ACD gene. It is expected to result in an absent or disrupted protein product. However, the current clinical and genetic evidence is not sufficient to establish whether loss-of-function variants in ACD cause disease. This variant is not present in population databases (gnomAD no frequency). This variant has not been reported in the literature in individuals affected with ACD-related conditions. In summary, the available evidence is currently insufficient to determine the role of this variant in disease. Therefore, it has been classified as a Variant of Uncertain Significance.

NM_001082486.2(ACD):c.131del (p.Gly44fs)

Gene: ACD (ACD shelterin complex subunit and telomerase recruitment factor; minus strand). Cytogenetic location: 16q22.1.
Variant type: Deletion.
Coding change: c.131del on transcript NM_001082486.2 (MANE Select); coding-DNA position 131, one base deleted (G; older notation c.131delG).
Protein change: p.Gly44fs; shifts the reading frame from glycine 44.
Molecular consequence: frameshift variant.
Genome position (GRCh38, 1-based): chr16:67,660,014, C deleted on the plus strand (G on the coding strand, the reverse complement: ACD is on the minus strand); the first of 3 consecutive C bases (chr16:67,660,014-67,660,016); deleting any one gives the same sequence. VCF-style (leftmost placement, unchanged base first): chr16-67660013-GC-G. GRCh37 (hg19) VCF-style: chr16-67693916-GC-G.
Other names: c.131del, p.Gly44fs (NM_001410884.1); c.122del, p.Gly41fs (NM_022914.3); short protein forms G41fs, G44fs.
Identifiers: ClinVar variation 3697078 (VCV003697078.2).